The following is an entry in ClinVar:

ClinVar aggregate classification (germline): Pathogenic (1 of 4 stars; one submission).

Submission:

Quest Diagnostics Nichols Institute San Juan Capistrano
Classification: Pathogenic. Last evaluated: 2022-11-07. Review status: criteria provided, single submitter. Criteria: ACMG/ClinGen CNV Guidelines, 2019. Collection method: clinical testing. Allele origin: unknown.
Comment: The copy number loss of Xq28 involves multiple protein-coding genes, including MTM1 (OMIM 300415) and multiple exons (NM_005491.4) of the 3' portion of MAMLD1 (OMIM 300120). Nullizygosity of MTM1 is associated with X-linked centronuclear myopathy (CNMX; OMIM 310400, Rehm 2015, Gomez-Gonzalez 2021). Additionally, truncating variants of MAMLD1 in males are associated with X-linked hypospadias-2 (HYSP2; OMIM 300758). There are no similar copy number losses of this region in the general populations of the Database of Genomic Variants. Therefore, this copy number variant (CNV) is classified as pathogenic. References: Gomez-Gonzalez et al., Eur J Med Genet. 2021 Apr;64(4):104170. PMID: 33618039 Rehm et al., N Engl J Med. 2015 Jun 4;372(23):2235-42. PMID: 26014595 (HGNC:7448)

GRCh37/hg19 Xq28(chrX:149650839-149937387)x1

Genes: CD99L2 (CD99 molecule like 2; minus strand), MAMLD1 (mastermind like domain containing 1; plus strand), MTM1 (myotubularin 1; plus strand), MTMR1 (myotubularin related protein 1; plus strand). Cytogenetic location: Xq28.
Variant type: copy number loss.
Change: copy number 1 of chrX:149,650,839-149,937,387 (286.5 kb, GRCh37 coordinates, 1-based), cytogenetic band Xq28.
Identifiers: ClinVar variation 2685725 (VCV002685725.1).